The following is an entry in ClinVar:

ClinVar aggregate classification (germline): Uncertain significance (1 of 4 stars; one submission).

Conditions:
Mucopolysaccharidosis, MPS-III-A (MPS3A). Also called: HEPARAN SULFATE SULFATASE DEFICIENCY; SANFILIPPO SYNDROME A; SULFAMIDASE DEFICIENCY; MPS III A; Mucopolysaccharidosis, type IIIA; MUCOPOLYSACCHARIDOSIS, TYPE IIIA, ATTENUATED. Identifiers: Orphanet 581, Orphanet 79269, MedGen C0086647, MONDO:0009655, OMIM 252900.

Allele frequency attached by ClinVar (database versions not stated): TOPMed 0.00001; gnomAD 0.00001.
gnomAD v4.1: 1 of 1,607,232 alleles (0.000062%); highest among the groups gnomAD compares: African/African-American, 0.0013%; no homozygotes.

Submission:

Labcorp Genetics (formerly Invitae), Labcorp
Classification: Uncertain significance for Mucopolysaccharidosis, MPS-III-A. Last evaluated: 2022-11-15. Review status: criteria provided, single submitter. Criteria: Invitae Variant Classification Sherloc (09022015). Collection method: clinical testing. Allele origin: germline.
Comment: In summary, the available evidence is currently insufficient to determine the role of this variant in disease. Therefore, it has been classified as a Variant of Uncertain Significance. Advanced modeling of protein sequence and biophysical properties (such as structural, functional, and spatial information, amino acid conservation, physicochemical variation, residue mobility, and thermodynamic stability) has been performed at Invitae for this missense variant, however the output from this modeling did not meet the statistical confidence thresholds required to predict the impact of this variant on SGSH protein function. This variant has not been reported in the literature in individuals affected with SGSH-related conditions. This variant is not present in population databases (gnomAD no frequency). This sequence change replaces leucine, which is neutral and non-polar, with phenylalanine, which is neutral and non-polar, at codon 343 of the SGSH protein (p.Leu343Phe).

NM_000199.5(SGSH):c.1027C>T (p.Leu343Phe)

Gene: SGSH (N-sulfoglucosamine sulfohydrolase; minus strand). Cytogenetic location: 17q25.3.
Variant type: single nucleotide variant.
Coding change: c.1027C>T on transcript NM_000199.5 (MANE Select); coding-DNA position 1027, C replaced by T.
Protein change: p.Leu343Phe; replaces leucine 343 with phenylalanine.
Molecular consequence: missense variant. On other transcripts: 3 prime UTR variant (2), non-coding transcript variant (1).
Genome position (GRCh38, 1-based): chr17:80,210,934, G>A on the plus strand (C>T on the coding strand, the complement: SGSH is on the minus strand). VCF-style: chr17-80210934-G-A. GRCh37 (hg19) VCF-style: chr17-78184733-G-A.
Other names: c.*114C>T (NM_001352921.3); c.*77C>T (NM_001352922.2); short protein forms L343F.
Identifiers: ClinVar variation 2095553 (VCV002095553.3), dbSNP rs1323813006, ClinGen allele CA401359285.